The following is an entry in ClinVar:

ClinVar aggregate classification (germline): Benign. Review status: criteria provided, multiple submitters, no conflicts (2 of 4 stars). 13 submissions from 12 submitters: Benign (10). 3 of the submissions do not count toward it. Last evaluated 2026-02-03.

Conditions:
Autosomal dominant cerebellar ataxia. Also called: Spinocerebellar Ataxia, Dominant. Identifiers: Orphanet 99, MedGen C4087347, MONDO:0020380.
Inborn genetic diseases. Identifiers: MedGen C0950123, MeSH D030342.
Charcot-Marie-Tooth disease. Also called: Charcot-Marie-Tooth Neuropathy; Charcot-Marie-Tooth Hereditary Neuropathy. Identifiers: Orphanet 166, MedGen C0007959, MONDO:0015626.
Charcot-Marie-Tooth disease axonal type 2O. Also called: CHARCOT-MARIE-TOOTH NEUROPATHY, AXONAL, TYPE 2O; CHARCOT-MARIE-TOOTH DISEASE, AXONAL, AUTOSOMAL DOMINANT, TYPE 2O; Charcot-Marie-Tooth Neuropathy Type 2O; Charcot-Marie-Tooth disease, axonal, type 20. Identifiers: Orphanet 284232, MedGen C3280220, MONDO:0013644, OMIM 614228.

Allele frequency attached by ClinVar (database versions not stated): gnomAD exomes 0.01002 and 0.01648; ExAC 0.01816; gnomAD 0.02937 and 0.03009; ESP Exome Variant Server 0.02983; TOPMed 0.03175; 1000 Genomes Project 0.03375; 1000 Genomes Project 30x 0.03545.
gnomAD v4.1: 19,406 of 1,614,176 alleles (1.2%); highest among the groups gnomAD compares: African/African-American, 8.7%; 434 homozygotes.

Submissions (13):

Labcorp Genetics (formerly Invitae), Labcorp
Classification: Benign for Charcot-Marie-Tooth disease axonal type 2O. Last evaluated: 2026-02-03. Review status: criteria provided, single submitter. Criteria: Invitae Variant Classification Sherloc (09022015). Collection method: clinical testing. Allele origin: germline.

Athena Diagnostics
Classification: Benign. Last evaluated: 2024-12-31. Review status: criteria provided, single submitter. Criteria: Athena Diagnostics Criteria. Collection method: clinical testing. Allele origin: unknown.
Comment: The frequency of this variant in the general population is higher than would generally be expected for pathogenic variants in this gene.

Illumina Laboratory Services, Illumina
Classification: Benign for Spinocerebellar Ataxia, Dominant. Last evaluated: 2018-01-13. Review status: criteria provided, single submitter. Criteria: ICSL Variant Classification Criteria 13 December 2019. Collection method: clinical testing. Allele origin: germline.
Comment: This variant was observed in the ICSL laboratory as part of a predisposition screen in an ostensibly healthy population. It had not been previously curated by ICSL or reported in the Human Gene Mutation Database (HGMD: prior to June 1st, 2018), and was therefore a candidate for classification through an automated scoring system. Utilizing variant allele frequency, disease prevalence and penetrance estimates, and inheritance mode, an automated score was calculated to assess if this variant is too frequent to cause the disease. Based on the score and internal cut-off values, a variant classified as benign is not then subjected to further curation. The score for this variant resulted in a classification of benign for this disease.

Illumina Laboratory Services, Illumina
Classification: Benign for Charcot-Marie-Tooth disease axonal type 2O. Last evaluated: 2018-01-13. Review status: criteria provided, single submitter. Criteria: ICSL Variant Classification Criteria 13 December 2019. Collection method: clinical testing. Allele origin: germline.
Comment: the same text as in the submission from Illumina Laboratory Services, Illumina above.

Mayo Clinic Laboratories, Mayo Clinic
Classification: Benign. Last evaluated: 2016-07-01. Review status: criteria provided, single submitter. Criteria: ACMG Guidelines, 2015. Collection method: clinical testing. Allele origin: germline. Observed: 49 variant alleles.

Ambry Genetics
Classification: Benign for Inborn genetic diseases. Last evaluated: 2016-03-17. Review status: criteria provided, single submitter. Criteria: Ambry Variant Classification Scheme 2023. Collection method: clinical testing. Allele origin: germline.

GeneDx
Classification: Benign. Last evaluated: 2015-03-03. Review status: criteria provided, single submitter. Criteria: GeneDx Variant Classification Process June 2021. Collection method: clinical testing. Allele origin: germline. Affected: yes.

Breakthrough Genomics
Classification: Benign. Review status: criteria provided, single submitter. Criteria: ACMG Guidelines, 2015. Collection method: not provided. Allele origin: germline. Inheritance: Autosomal dominant inheritance. Affected: yes.

Molecular Genetics Laboratory, London Health Sciences Centre
Classification: Benign for Charcot-Marie-Tooth disease. Review status: criteria provided, single submitter. Criteria: ACMG Guidelines, 2015. Collection method: clinical testing. Allele origin: germline. Affected: yes.

PreventionGenetics, part of Exact Sciences
Classification: Benign. Review status: criteria provided, single submitter. Criteria: ACMG Guidelines, 2015. Collection method: clinical testing. Allele origin: germline.

Clinical Genetics, Academic Medical Center
Classification: Benign. Review status: no assertion criteria provided. Collection method: clinical testing. Allele origin: germline. Affected: yes. Study: VKGL Data-share Consensus. Not counted in ClinVar's aggregate classification.

Genetic Services Laboratory, University of Chicago
Classification: Likely benign for AllHighlyPenetrant. Review status: no assertion criteria provided. Collection method: clinical testing. Allele origin: germline. Inheritance: Autosomal dominant inheritance. Not counted in ClinVar's aggregate classification.
Comment: Likely benign based on allele frequency in 1000 Genomes Project or ESP global frequency and its presence in a patient with a rare or unrelated disease phenotype. NOT Sanger confirmed.

Joint Genome Diagnostic Labs from Nijmegen and Maastricht, Radboudumc and MUMC+
Classification: Benign. Review status: no assertion criteria provided. Collection method: clinical testing. Allele origin: germline. Affected: yes. Study: VKGL Data-share Consensus. Not counted in ClinVar's aggregate classification.

NM_001376.5(DYNC1H1):c.7524A>G (p.Leu2508=)

Gene: DYNC1H1 (dynein cytoplasmic 1 heavy chain 1; plus strand). Cytogenetic location: 14q32.31.
Variant type: single nucleotide variant.
Coding change: c.7524A>G on transcript NM_001376.5 (MANE Select); coding-DNA position 7524, A replaced by G.
Protein change: p.Leu2508=; no amino-acid change (leucine 2508 retained).
Molecular consequence: synonymous variant.
Genome position (GRCh38, 1-based): chr14:102,016,399, A>G. VCF-style: chr14-102016399-A-G. GRCh37 (hg19) VCF-style: chr14-102482736-A-G.
Other names: p.Leu2508=.
Identifiers: ClinVar variation 128942 (VCV000128942.35), dbSNP rs17541179, ClinGen allele CA152654.